The following is an entry in ClinVar:

ClinVar aggregate classification (germline): Likely pathogenic (1 of 4 stars; one submission).

Conditions:
Developmental and epileptic encephalopathy, 2 (DEE2). Also called: INFANTILE SPASM SYNDROME, X-LINKED 2; CDKL5 deficiency disorder. Identifiers: Orphanet 1934, Orphanet 3451, Orphanet 505652, MedGen C4750718, MONDO:0010396, OMIM 300672.

Submission:

Neuberg Centre For Genomic Medicine, NCGM
Classification: Likely pathogenic for Developmental and epileptic encephalopathy, 2. Review status: criteria provided, single submitter. Criteria: ACMG Guidelines, 2015. Collection method: clinical testing. Allele origin: germline. Inheritance: X-linked dominant inheritance. Affected: yes.
Comment: The frameshift c.1744del p.Ser582ProfsTer34 variant in CDKL5 gene has not been previously reported as pathogenic variant nor as a benign variant, to our knowledge. The p.Ser582ProfsTer34 variant is novel not in any individuals in gnomAD Exomes and 1000 Genomes. This variant has not been reported to the ClinVar database. This variant causes a frameshift starting with codon Serine 582, changes this amino acid to Proline residue, and creates a premature Stop codon at position 34 of the new reading frame, denoted p.Ser582ProfsTer34. This variant is predicted to cause loss of normal protein function through protein truncation. Loss of function variants have been previously reported to be disease causing. For these reasons, this variant has been classified as Likely Pathogenic.

NM_001323289.2(CDKL5):c.1744del (p.Ser582fs)

Gene: CDKL5 (cyclin dependent kinase like 5; plus strand). Cytogenetic location: Xp22.13.
Variant type: Deletion.
Coding change: c.1744del on transcript NM_001323289.2 (MANE Select); coding-DNA position 1744, one base deleted (T; older notation c.1744delT).
Protein change: p.Ser582fs; shifts the reading frame from serine 582.
Molecular consequence: frameshift variant.
Genome position (GRCh38, 1-based): chrX:18,604,668, T deleted; the last of 2 consecutive T bases (chrX:18,604,667-18,604,668); deleting either gives the same sequence. VCF-style (leftmost placement, unchanged base first): chrX-18604666-AT-A. GRCh37 (hg19) VCF-style: chrX-18622786-AT-A.
Other names: c.1744del, p.Ser582fs (NM_001037343.2, NM_003159.3); short protein forms S582fs.
Identifiers: ClinVar variation 3235042 (VCV003235042.1), dbSNP rs2518875266, ClinGen allele CA2825002898.